The following is an entry in ClinVar:

NM_020745.4(AARS2):c.2476C>T (p.Arg826Ter)

Gene: AARS2 (alanyl-tRNA synthetase 2, mitochondrial; minus strand). Cytogenetic location: 6p21.1.
Variant type: single nucleotide variant.
Coding change: c.2476C>T on transcript NM_020745.4 (MANE Select); coding-DNA position 2476, C replaced by T.
Protein change: p.Arg826Ter; replaces arginine 826 with a stop codon.
Molecular consequence: nonsense.
Genome position (GRCh38, 1-based): chr6:44,302,402, G>A on the plus strand (C>T on the coding strand, the complement: AARS2 is on the minus strand). VCF-style: chr6-44302402-G-A. GRCh37 (hg19) VCF-style: chr6-44270139-G-A.
Other names: short protein forms R826*.
Identifiers: ClinVar variation 2585003 (VCV002585003.1), dbSNP rs759299855, ClinGen allele CA3833974.

ClinVar aggregate classification (germline): Likely pathogenic (1 of 4 stars; one submission).

Conditions:
Leukoencephalopathy, progressive, with ovarian failure (LKENP). Identifiers: Orphanet 99853, MedGen C4014588, MONDO:0014387, OMIM 615889.

Allele frequency attached by ClinVar (database versions not stated): ExAC 0.00001; TOPMed 0.00001.
gnomAD v4.1: 6 of 1,614,102 alleles (0.00037%); highest among the groups gnomAD compares: African/African-American, 0.0013%; no homozygotes.

Submission:

Neuberg Centre For Genomic Medicine, NCGM
Classification: Likely pathogenic for Leukoencephalopathy, progressive, with ovarian failure. Review status: criteria provided, single submitter. Criteria: ACMG Guidelines, 2015. Collection method: clinical testing. Allele origin: germline. Inheritance: Autosomal recessive inheritance. Affected: yes.
Comment: The stop gained variant c.2476C>T (p.Arg826Ter) in AARS2 gene has not been reported previously as a pathogenic variant nor as a benign variant, to our knowledge. The variant is novel (not in any individuals) in 1000 Genomes and is present in the gnomAD exomes database with a frequency of 0.0004%. Null variant (nonsense), in gene AARS2 for which loss-of-function is a known mechanism of disease. The nucleotide change in AARS2 is predicted as conserved by GERP++ and PhyloP across 100 vertebrates. For these reasons, this variant has been classified as Likely Pathogenic.